The following is an entry in ClinVar:

ClinVar aggregate classification (germline): Uncertain significance (1 of 4 stars; one submission).

Submission:

GeneDx
Classification: Uncertain significance. Last evaluated: 2023-07-10. Review status: criteria provided, single submitter. Criteria: GeneDx Variant Classification Process June 2021. Collection method: clinical testing. Allele origin: germline. Affected: yes.
Comment: Not observed at significant frequency in large population cohorts (gnomAD); In silico analysis supports that this variant does not alter splicing; Has not been previously published as pathogenic or benign to our knowledge

NM_001614.5(ACTG1):c.495C>A (p.Ile165=)

Gene: ACTG1 (actin gamma 1; minus strand). Cytogenetic location: 17q25.3.
Variant type: single nucleotide variant.
Coding change: c.495C>A on transcript NM_001614.5 (MANE Select); coding-DNA position 495, C replaced by A.
Protein change: p.Ile165=; no amino-acid change (isoleucine 165 retained).
Molecular consequence: synonymous variant. On other transcripts: non-coding transcript variant (1).
Genome position (GRCh38, 1-based): chr17:81,511,495, G>T on the plus strand (C>A on the coding strand, the complement: ACTG1 is on the minus strand). VCF-style: chr17-81511495-G-T. GRCh37 (hg19) VCF-style: chr17-79478521-G-T.
Other names: c.495C>A, p.Ile165= (NM_001199954.3).
Identifiers: ClinVar variation 3342805 (VCV003342805.1).